The following is an entry in ClinVar:

NM_000455.5(STK11):c.102C>T (p.Val34=)

Gene: STK11 (serine/threonine kinase 11; plus strand). Cytogenetic location: 19p13.3.
Variant type: single nucleotide variant.
Coding change: c.102C>T on transcript NM_000455.5 (MANE Select); coding-DNA position 102, C replaced by T.
Protein change: p.Val34=; no amino-acid change (valine 34 retained).
Molecular consequence: synonymous variant.
Genome position (GRCh38, 1-based): chr19:1,207,015, C>T. VCF-style: chr19-1207015-C-T. GRCh37 (hg19) VCF-style: chr19-1207014-C-T.
Identifiers: ClinVar variation 412542 (VCV000412542.17), dbSNP rs1060503784, ClinGen allele CA16616000.

ClinVar aggregate classification (germline): Benign/Likely benign. Review status: criteria provided, multiple submitters, no conflicts (2 of 4 stars). 5 submissions from 5 submitters: Benign (1); Likely benign (4). Last evaluated 2025-03-25.

Conditions:
Peutz-Jeghers syndrome (PJS). Also called: POLYPOSIS, HAMARTOMATOUS INTESTINAL; POLYPS-AND-SPOTS SYNDROME; Peutz-Jeghers polyposis; Periorificial lentiginosis syndrome. Identifiers: Orphanet 2869, MedGen C0031269, MeSH D010580, MONDO:0008280, OMIM 175200.
Hereditary cancer-predisposing syndrome. Also called: Hereditary neoplastic syndrome; Neoplastic Syndromes, Hereditary; Tumor predisposition; Hereditary Cancer Syndrome. Identifiers: Orphanet 140162, MedGen C0027672, MeSH D009386, MONDO:0015356.

Allele frequency attached by ClinVar (database versions not stated): TOPMed below 0.00001; gnomAD 0.00001; gnomAD exomes 0.00001.
gnomAD v4.1: 12 of 1,613,574 alleles (0.00074%); highest among the groups gnomAD compares: Non-Finnish European, 0.001%; no homozygotes.

Submissions (5):

Myriad Genetics, Inc.
Classification: Benign for Peutz-Jeghers syndrome. Last evaluated: 2025-03-25. Review status: criteria provided, single submitter. Criteria: Myriad Autosomal Dominant, Autosomal Recessive and X-Linked Classification Criteria (2023). Collection method: clinical testing. Allele origin: unknown.
Comment: This variant is considered benign. This variant is a silent/synonymous amino acid change and it is not expected to impact splicing.

All of Us Research Program, National Institutes of Health
Classification: Likely benign for Peutz-Jeghers syndrome. Last evaluated: 2024-04-16. Review status: criteria provided, single submitter. Criteria: ACMG Guidelines, 2015. Collection method: clinical testing. Allele origin: germline. Inheritance: Autosomal dominant inheritance. Observed: 1 variant allele, 1 heterozygote.
Comment: This study involves interpretation of variants in research participants for the purpose of population health screening. Participant phenotype was not available at the time of variant classification. Additional details can be found in publication PMID: 35346344, PMCID: PMC8962531

Color Diagnostics, LLC DBA Color Health
Classification: Likely benign for Hereditary cancer-predisposing syndrome. Last evaluated: 2022-11-06. Review status: criteria provided, single submitter. Criteria: ACMG Guidelines, 2015. Collection method: clinical testing. Allele origin: germline.

Labcorp Genetics (formerly Invitae), Labcorp
Classification: Likely benign for Peutz-Jeghers syndrome. Last evaluated: 2020-07-13. Review status: criteria provided, single submitter. Criteria: Invitae Variant Classification Sherloc (09022015). Collection method: clinical testing. Allele origin: germline.

Ambry Genetics
Classification: Likely benign for Hereditary cancer-predisposing syndrome. Last evaluated: 2018-10-15. Review status: criteria provided, single submitter. Criteria: Ambry Variant Classification Scheme 2023. Collection method: clinical testing. Allele origin: germline.